The following is an entry in ClinVar:

ClinVar aggregate classification (germline): Likely benign. Review status: criteria provided, multiple submitters, no conflicts (2 of 4 stars). 7 submissions from 7 submitters: Likely benign (6). 1 of the submissions does not count toward it. Last evaluated 2025-12-10.

Conditions:
POLE-related disorder. Also called: POLE-related condition; POLE-related disorders.
Hereditary cancer-predisposing syndrome. Also called: Tumor predisposition; Hereditary neoplastic syndrome; Hereditary Cancer Syndrome; Neoplastic Syndromes, Hereditary. Identifiers: Orphanet 140162, MedGen C0027672, MeSH D009386, MONDO:0015356.
Colorectal cancer, susceptibility to, 12 (CRCS12). Also called: COLORECTAL CANCER, SUSCEPTIBILITY TO, ON CHROMOSOME 12q24. Identifiers: Orphanet 220460, MedGen C3554460, MONDO:0014038, OMIM 615083.

Allele frequency attached by ClinVar (database versions not stated): gnomAD 0.00005 and 0.00006; gnomAD exomes 0.00006 and 0.00008; ESP Exome Variant Server 0.00008; ExAC 0.00012.
gnomAD v4.1: 94 of 1,609,066 alleles (0.0058%); highest among the groups gnomAD compares: Non-Finnish European, 0.0071%; no homozygotes.

Submissions (7):

Labcorp Genetics (formerly Invitae), Labcorp
Classification: Likely benign. Last evaluated: 2025-12-10. Review status: criteria provided, single submitter. Criteria: Invitae Variant Classification Sherloc (09022015). Collection method: clinical testing. Allele origin: germline.

CeGaT Center for Human Genetics Tuebingen
Classification: Likely benign. Last evaluated: 2025-05-01. Review status: criteria provided, single submitter. Criteria: CeGaT Center For Human Genetics Tuebingen Variant Classification Criteria Version 2. Collection method: clinical testing. Allele origin: germline. Affected: yes. Observed: 1 variant allele.
Comment: POLE: BP4, BP7

GeneDx
Classification: Likely benign. Last evaluated: 2021-01-20. Review status: criteria provided, single submitter. Criteria: GeneDx Variant Classification Process June 2021. Collection method: clinical testing. Allele origin: germline. Affected: yes.

Mendelics
Classification: Likely benign for Colorectal cancer, susceptibility to, 12. Last evaluated: 2019-05-28. Review status: criteria provided, single submitter. Criteria: Mendelics Assertion Criteria 2017. Collection method: clinical testing. Allele origin: unknown.

Quest Diagnostics Nichols Institute San Juan Capistrano
Classification: Likely benign. Last evaluated: 2018-04-16. Review status: criteria provided, single submitter. Criteria: Quest Diagnostics criteria. Collection method: clinical testing. Allele origin: germline.

Ambry Genetics
Classification: Likely benign for Hereditary cancer-predisposing syndrome. Last evaluated: 2015-08-15. Review status: criteria provided, single submitter. Criteria: Ambry Variant Classification Scheme 2023. Collection method: clinical testing. Allele origin: germline.

PreventionGenetics, part of Exact Sciences
Classification: Likely benign for POLE-related condition. Last evaluated: 2021-02-04. Review status: no assertion criteria provided. Collection method: clinical testing. Allele origin: germline. Not counted in ClinVar's aggregate classification.
Comment: This variant is classified as likely benign based on ACMG/AMP sequence variant interpretation guidelines (Richards et al. 2015 PMID: 25741868, with internal and published modifications).

NM_006231.4(POLE):c.3054C>T (p.Tyr1018=)

Gene: POLE (DNA polymerase epsilon, catalytic subunit; minus strand). Cytogenetic location: 12q24.33.
Variant type: single nucleotide variant.
Coding change: c.3054C>T on transcript NM_006231.4 (MANE Select); coding-DNA position 3054, C replaced by T.
Protein change: p.Tyr1018=; no amino-acid change (tyrosine 1018 retained).
Molecular consequence: synonymous variant.
Genome position (GRCh38, 1-based): chr12:132,660,975, G>A on the plus strand (C>T on the coding strand, the complement: POLE is on the minus strand). VCF-style: chr12-132660975-G-A. GRCh37 (hg19) VCF-style: chr12-133237561-G-A.
Identifiers: ClinVar variation 413563 (VCV000413563.43), dbSNP rs201249963, ClinGen allele CA6893382.